The following is an entry in ClinVar:

ClinVar aggregate classification (germline): Uncertain significance (1 of 4 stars; one submission).

gnomAD v4.1: 4 of 1,210,120 alleles (0.00033%); highest among the groups gnomAD compares: Non-Finnish European, 0.00045%; no homozygotes.

Submission:

Labcorp Genetics (formerly Invitae), Labcorp
Classification: Uncertain significance. Last evaluated: 2024-05-25. Review status: criteria provided, single submitter. Criteria: Invitae Variant Classification Sherloc (09022015). Collection method: clinical testing. Allele origin: germline.
Comment: This sequence change replaces proline, which is neutral and non-polar, with histidine, which is basic and polar, at codon 364 of the DRP2 protein (p.Pro364His). This variant is not present in population databases (gnomAD no frequency). This variant has not been reported in the literature in individuals affected with DRP2-related conditions. Advanced modeling of protein sequence and biophysical properties (such as structural, functional, and spatial information, amino acid conservation, physicochemical variation, residue mobility, and thermodynamic stability) performed at Invitae indicates that this missense variant is not expected to disrupt DRP2 protein function with a negative predictive value of 80%. In summary, the available evidence is currently insufficient to determine the role of this variant in disease. Therefore, it has been classified as a Variant of Uncertain Significance.

NM_001939.3(DRP2):c.1091C>A (p.Pro364His)

Gene: DRP2 (dystrophin related protein 2; plus strand). Cytogenetic location: Xq22.1.
Variant type: single nucleotide variant.
Coding change: c.1091C>A on transcript NM_001939.3 (MANE Select); coding-DNA position 1091, C replaced by A.
Protein change: p.Pro364His; replaces proline 364 with histidine.
Molecular consequence: missense variant.
Genome position (GRCh38, 1-based): chrX:101,245,053, C>A. VCF-style: chrX-101245053-C-A. GRCh37 (hg19) VCF-style: chrX-100500042-C-A.
Other names: c.857C>A, p.Pro286His (NM_001171184.2); short protein forms P286H, P364H.
Identifiers: ClinVar variation 3621637 (VCV003621637.2).